The following is an entry in ClinVar:

NM_001605.3(AARS1):c.1393C>G (p.Leu465Val)

Gene: AARS1 (alanyl-tRNA synthetase 1; minus strand). Cytogenetic location: 16q22.1.
Variant type: single nucleotide variant.
Coding change: c.1393C>G on transcript NM_001605.3 (MANE Select); coding-DNA position 1393, C replaced by G.
Protein change: p.Leu465Val; replaces leucine 465 with valine.
Molecular consequence: missense variant.
Genome position (GRCh38, 1-based): chr16:70,265,057, G>C on the plus strand (C>G on the coding strand, the complement: AARS1 is on the minus strand). VCF-style: chr16-70265057-G-C. GRCh37 (hg19) VCF-style: chr16-70298960-G-C.
Other names: short protein forms L465V.
Identifiers: ClinVar variation 522986 (VCV000522986.8), dbSNP rs1555540828, ClinGen allele CA396561308.
Genomic context (GRCh38, chr16:70,265,057, plus strand): 5'-GGGAATCATCTGTGACCTCCAGACCCCGTGCCCGGAGCTCTTCGATAGCGTAAATGTCCA[G>C]CATAATGAGGTCTTCCCCACCAGCTCCCTTGCCCTGTGATTTCAGCTGTCAGCAAGAGAA-3'
Protein context (NP_001596.2, residues 455-475): KGAGGEDLIM[Leu465Val]DIYAIEELRA

ClinVar aggregate classification (germline): Uncertain significance. Review status: criteria provided, multiple submitters, no conflicts (2 of 4 stars). 2 submissions from 2 submitters: Uncertain significance (2). Last evaluated 2022-10-27.

Conditions:
Charcot-Marie-Tooth disease type 2. Also called: Charcot-Marie-Tooth type 2. Identifiers: Orphanet 64746, MedGen C0270914, MONDO:0018993.

Allele frequency attached by ClinVar (database versions not stated): gnomAD exomes below 0.00001.

Submissions (2):

Labcorp Genetics (formerly Invitae), Labcorp
Classification: Uncertain significance for Charcot-Marie-Tooth disease type 2. Last evaluated: 2022-10-27. Review status: criteria provided, single submitter. Criteria: Invitae Variant Classification Sherloc (09022015). Collection method: clinical testing. Allele origin: germline.
Comment: In summary, the available evidence is currently insufficient to determine the role of this variant in disease. Therefore, it has been classified as a Variant of Uncertain Significance. This sequence change replaces leucine, which is neutral and non-polar, with valine, which is neutral and non-polar, at codon 465 of the AARS protein (p.Leu465Val). This variant is not present in population databases (gnomAD no frequency). This variant has not been reported in the literature in individuals affected with AARS-related conditions. ClinVar contains an entry for this variant (Variation ID: 522986). Algorithms developed to predict the effect of missense changes on protein structure and function are either unavailable or do not agree on the potential impact of this missense change (SIFT: "Deleterious"; PolyPhen-2: "Benign"; Align-GVGD: "Class C25").

Genomic Research Center, Shahid Beheshti University of Medical Sciences
Classification: Uncertain significance. Last evaluated: 2019-01-01. Review status: criteria provided, single submitter. Criteria: ACMG Guidelines, 2015. Collection method: clinical testing. Allele origin: inherited. Affected: yes. Observed: 1 variant allele.